The following is an entry in ClinVar:

ClinVar aggregate classification (germline): Uncertain significance (1 of 4 stars; one submission).

Allele frequency attached by ClinVar (database versions not stated): TOPMed below 0.00001; gnomAD 0.00001.
gnomAD v4.1: 1 of 1,209,946 alleles (0.000083%); highest among the groups gnomAD compares: African/African-American, 0.0018%; no homozygotes.

Submission:

GeneDx
Classification: Uncertain significance. Last evaluated: 2019-11-13. Review status: criteria provided, single submitter. Criteria: GeneDx Variant Classification Process June 2021. Collection method: clinical testing. Allele origin: germline. Affected: yes.
Comment: Not observed in large population cohorts (Lek et al., 2016); In silico analysis, which includes protein predictors and evolutionary conservation, supports that this variant does not alter protein structure/function; Has not been previously published as pathogenic or benign to our knowledge

NM_001039591.3(USP9X):c.2663T>A (p.Phe888Tyr)

Gene: USP9X (ubiquitin specific peptidase 9 X-linked; plus strand). Cytogenetic location: Xp11.4.
Variant type: single nucleotide variant.
Coding change: c.2663T>A on transcript NM_001039591.3 (MANE Select); coding-DNA position 2663, T replaced by A.
Protein change: p.Phe888Tyr; replaces phenylalanine 888 with tyrosine.
Molecular consequence: missense variant.
Genome position (GRCh38, 1-based): chrX:41,170,021, T>A. VCF-style: chrX-41170021-T-A. GRCh37 (hg19) VCF-style: chrX-41029274-T-A.
Other names: c.2663T>A, p.Phe888Tyr (NM_001039590.3); short protein forms F888Y.
Identifiers: ClinVar variation 1304021 (VCV001304021.2), dbSNP rs1174582313, ClinGen allele CA412758060.
Genomic context (GRCh38, chrX:41,170,021, plus strand): 5'-ATATGATGATGTCTGTCTTTCTTTTTCCCCCCAGAGCATTCCGCGGTAAACACCTCTCTT[T>A]TGTAGTTCGATTTCCAAACCAGGGCAGACAGGTTGATGACTTGGAGGTATGGTCTCATAC-3'
Protein context (NP_001034680.2, residues 878-898): SRAFRGKHLS[Phe888Tyr]VVRFPNQGRQ